The following is an entry in ClinVar:

NM_001042616.3(PIGY):c.71C>A (p.Ala24Asp)

Genes: PIGY (phosphatidylinositol glycan anchor biosynthesis class Y; minus strand), PYURF (PIGY upstream open reading frame; minus strand). Cytogenetic location: 4q22.1.
Variant type: single nucleotide variant.
Coding change: c.71C>A on transcript NM_001042616.3 (MANE Select); coding-DNA position 71, C replaced by A.
Protein change: p.Ala24Asp; replaces alanine 24 with aspartic acid.
Molecular consequence: missense variant. On other transcripts: 3 prime UTR variant (1).
Genome position (GRCh38, 1-based): chr4:88,521,719, G>T on the plus strand (C>A on the coding strand, the complement: PIGY is on the minus strand). VCF-style: chr4-88521719-G-T. GRCh37 (hg19) VCF-style: chr4-89442870-G-T.
Other names: c.*169C>A (NM_032906.5); short protein forms A24D.
Identifiers: ClinVar variation 4747491 (VCV004747491.1).

ClinVar aggregate classification (germline): Uncertain significance (1 of 4 stars; one submission).

Submission:

Labcorp Genetics (formerly Invitae), Labcorp
Classification: Uncertain significance. Last evaluated: 2025-03-25. Review status: criteria provided, single submitter. Criteria: Invitae Variant Classification Sherloc (09022015). Collection method: clinical testing. Allele origin: germline.
Comment: This sequence change replaces alanine, which is neutral and non-polar, with aspartic acid, which is acidic and polar, at codon 24 of the PIGY protein (p.Ala24Asp). This variant is present in population databases (rs190940798, gnomAD 0.1%), and has an allele count higher than expected for a pathogenic variant. This variant has not been reported in the literature in individuals affected with PIGY-related conditions. An algorithm developed to predict the effect of missense changes on protein structure and function (PolyPhen-2) suggests that this variant is likely to be disruptive. In summary, the available evidence is currently insufficient to determine the role of this variant in disease. Therefore, it has been classified as a Variant of Uncertain Significance.